The following is an entry in ClinVar:

NM_032575.3(GLIS2):c.304C>T (p.Arg102Cys)

Gene: GLIS2 (GLIS family zinc finger 2; plus strand). Cytogenetic location: 16p13.3.
Variant type: single nucleotide variant.
Coding change: c.304C>T on transcript NM_032575.3 (MANE Select); coding-DNA position 304, C replaced by T.
Protein change: p.Arg102Cys; replaces arginine 102 with cysteine.
Molecular consequence: missense variant.
Genome position (GRCh38, 1-based): chr16:4,333,478, C>T. VCF-style: chr16-4333478-C-T. GRCh37 (hg19) VCF-style: chr16-4383479-C-T.
Other names: c.304C>T, p.Arg102Cys (NM_001318918.2); c.304C>T (NM_032575.2); short protein forms R102C.
Identifiers: ClinVar variation 1518508 (VCV001518508.8), dbSNP rs371434004, ClinGen allele CA7872962.

ClinVar aggregate classification (germline): Uncertain significance. Review status: criteria provided, multiple submitters, no conflicts (2 of 4 stars). 2 submissions from 2 submitters: Uncertain significance (2). Last evaluated 2026-05-21.

Conditions:
Nephronophthisis. Also called: Juvenile Nephronophthisis. Identifiers: Orphanet 655, MedGen C0687120, MONDO:0019005, HP:0000090.

Allele frequency attached by ClinVar (database versions not stated): gnomAD exomes 0.00011; 1000 Genomes Project 30x 0.00141; ESP Exome Variant Server 0.00023; ExAC 0.00016; 1000 Genomes Project 0.00100.

Submissions (2):

GeneDx
Classification: Uncertain significance. Last evaluated: 2026-05-21. Review status: criteria provided, single submitter. Criteria: GeneDx Variant Classification Process June 2021. Collection method: clinical testing. Allele origin: germline.
Comment: In silico analysis suggests that this missense variant does not alter protein structure/function; Has not been previously published as pathogenic or benign to our knowledge

Labcorp Genetics (formerly Invitae), Labcorp
Classification: Uncertain significance for Nephronophthisis. Last evaluated: 2025-06-12. Review status: criteria provided, single submitter. Criteria: Invitae Variant Classification Sherloc (09022015). Collection method: clinical testing. Allele origin: germline.
Comment: This sequence change replaces arginine, which is basic and polar, with cysteine, which is neutral and slightly polar, at codon 102 of the GLIS2 protein (p.Arg102Cys). This variant is present in population databases (rs371434004, gnomAD 0.08%). This variant has not been reported in the literature in individuals affected with GLIS2-related conditions. ClinVar contains an entry for this variant (Variation ID: 1518508). An algorithm developed to predict the effect of missense changes on protein structure and function outputs the following: PolyPhen-2: "Benign". The cysteine amino acid residue is found in multiple mammalian species, which suggests that this missense change does not adversely affect protein function. In summary, the available evidence is currently insufficient to determine the role of this variant in disease. Therefore, it has been classified as a Variant of Uncertain Significance.